The following is an entry in ClinVar:

ClinVar aggregate classification (germline): Likely benign. Review status: criteria provided, multiple submitters, no conflicts (2 of 4 stars). 2 submissions from 2 submitters: Likely benign (2). Last evaluated 2026-01-09.

Allele frequency attached by ClinVar (database versions not stated): gnomAD exomes 0.00010; TOPMed 0.00010; ExAC 0.00012; ESP Exome Variant Server 0.00016; gnomAD 0.00019 and 0.00020.
gnomAD v4.1: 175 of 1,610,202 alleles (0.011%); highest among the groups gnomAD compares: Non-Finnish European, 0.011%; no homozygotes.

Submissions (2):

Labcorp Genetics (formerly Invitae), Labcorp
Classification: Likely benign. Last evaluated: 2026-01-09. Review status: criteria provided, single submitter. Criteria: Invitae Variant Classification Sherloc (09022015). Collection method: clinical testing. Allele origin: germline.

GeneDx
Classification: Likely benign. Last evaluated: 2018-03-08. Review status: criteria provided, single submitter. Criteria: GeneDx Variant Classification (06012015). Collection method: clinical testing. Allele origin: germline. Affected: yes.
Comment: This variant is considered likely benign or benign based on one or more of the following criteria: it is a conservative change, it occurs at a poorly conserved position in the protein, it is predicted to be benign by multiple in silico algorithms, and/or has population frequency not consistent with disease.

NM_003742.4(ABCB11):c.2814+12G>C

Genes: ABCB11 (ATP binding cassette subfamily B member 11; minus strand), LOC126806400 (CDK7 strongly-dependent group 2 enhancer GRCh37_chr2:169791870-169793069; plus strand). Cytogenetic location: 2q31.1.
Variant type: single nucleotide variant.
Coding change: c.2814+12G>C on transcript NM_003742.4 (MANE Select); 12 bases into the intron after coding-DNA position 2814, G replaced by C.
Molecular consequence: intron variant.
Genome position (GRCh38, 1-based): chr2:168,936,218, C>G on the plus strand (G>C on the coding strand, the complement: ABCB11 is on the minus strand). VCF-style: chr2-168936218-C-G. GRCh37 (hg19) VCF-style: chr2-169792728-C-G.
Other names: c.2814+12G>C (LRG_1199t1).
Identifiers: ClinVar variation 515897 (VCV000515897.4), dbSNP rs374259062, ClinGen allele CA1951187.